The following is an entry in ClinVar:

NM_001348323.3(TRIP12):c.3192T>G (p.Asp1064Glu)

Gene: TRIP12 (thyroid hormone receptor interactor 12; minus strand). Cytogenetic location: 2q36.3.
Variant type: single nucleotide variant.
Coding change: c.3192T>G on transcript NM_001348323.3 (MANE Select); coding-DNA position 3192, T replaced by G.
Protein change: p.Asp1064Glu; replaces aspartic acid 1064 with glutamic acid.
Molecular consequence: missense variant.
Genome position (GRCh38, 1-based): chr2:229,802,266, A>C on the plus strand (T>G on the coding strand, the complement: TRIP12 is on the minus strand). VCF-style: chr2-229802266-A-C. GRCh37 (hg19) VCF-style: chr2-230666982-A-C.
Other names: c.3111T>G, p.Asp1037Glu (NM_001284214.2, NM_001348315.2); c.3066T>G, p.Asp1022Glu (NM_001284215.2, NM_001348316.2, NM_001348317.1 and 1 more transcripts); c.2157T>G, p.Asp719Glu (NM_001284216.2); c.3192T>G, p.Asp1064Glu (NM_001348319.1, NM_001348320.2, NM_001348322.1 and 4 more transcripts); c.3195T>G, p.Asp1065Glu (NM_001348321.1, NM_001348328.1, NM_001348329.2 and 1 more transcripts); c.2985T>G, p.Asp995Glu (NM_001348331.1); c.3105T>G, p.Asp1035Glu (NM_001348332.1); c.3114T>G, p.Asp1038Glu (NM_001348333.1); and 1 more; short protein forms D1022E, D1035E, D1037E, D1038E, D1064E, D1065E, D719E, D989E.
Identifiers: ClinVar variation 3778514 (VCV003778514.7).
Genomic context (GRCh38, chr2:229,802,266, plus strand): 5'-GCGCTAACAGCAAAGAAATAAAAATCACAACACAATTCTTACTTACCCTTGAGGGCTGAG[A>C]TCTAAAGAATCATCCCTGCTGTGCTGCAAGCTGGGTGATCCCAAGTCAGCTGCAGCATGA-3'
Protein context (NP_001335252.1, residues 1054-1074): SLQHSRDDSL[Asp1064Glu]LSPQGRLSDV

ClinVar aggregate classification (germline): Uncertain significance (1 of 4 stars; one submission).

Submission:

CeGaT Center for Human Genetics Tuebingen
Classification: Uncertain significance. Last evaluated: 2025-03-01. Review status: criteria provided, single submitter. Criteria: CeGaT Center For Human Genetics Tuebingen Variant Classification Criteria Version 2. Collection method: clinical testing. Allele origin: germline. Affected: yes. Observed: 1 variant allele.
Comment: TRIP12: PM2